The following is an entry in ClinVar:

NM_000020.3(ACVRL1):c.988G>C (p.Asp330His)

Gene: ACVRL1 (activin A receptor like type 1; plus strand). Cytogenetic location: 12q13.13.
Variant type: single nucleotide variant.
Coding change: c.988G>C on transcript NM_000020.3 (MANE Select); coding-DNA position 988, G replaced by C.
Protein change: p.Asp330His; replaces aspartic acid 330 with histidine.
Molecular consequence: missense variant.
Genome position (GRCh38, 1-based): chr12:51,915,440, G>C. VCF-style: chr12-51915440-G-C. GRCh37 (hg19) VCF-style: chr12-52309224-G-C.
Other names: c.988G>C, p.Asp330His (NM_001077401.2, NM_001406487.1, NM_001406488.1 and 1 more transcripts); c.676G>C, p.Asp226His (NM_001406490.1, NM_001406491.1, NM_001406492.1 and 2 more transcripts); c.424G>C, p.Asp142His (NM_001406495.1); short protein forms D142H, D226H, D330H.
Identifiers: ClinVar variation 3068644 (VCV003068644.1), dbSNP rs2540164775, ClinGen allele CA384901452.

ClinVar aggregate classification (germline): Likely pathogenic (1 of 4 stars; one submission).

Conditions:
Hereditary hemorrhagic telangiectasia (HHT). Also called: ORW DISEASE; Osler Weber Rendu syndrome; OSLER-RENDU-WEBER DISEASE; Osler hemorrhagic telangiectasia syndrome. Identifiers: Orphanet 774, MedGen C0039445, MONDO:0019180. Disease mechanism: loss of function.

Submission:

Molecular Genetics, Royal Melbourne Hospital
Classification: Likely pathogenic for Hereditary hemorrhagic telangiectasia. Last evaluated: 2023-03-30. Review status: criteria provided, single submitter. Criteria: ACMG Guidelines, 2015. Collection method: clinical testing. Allele origin: germline. Affected: yes.
Comment: This sequence change in ACVRL1 is predicted to replace aspartic acid with histidine at codon 330, p.(Asp330His). The aspartic acid residue is highly conserved (99/99 vertebrates, UCSC), and is located at a critical residue for kinase activity in the HRD triad motif of the protein kinase domain (PMID: 16051269, 17095602). There is a moderate physicochemical difference between aspartic acid and histidine. This variant is absent from the population database gnomAD v2.1 and v3.1. This variant has been reported in at least two probands with a clinical diagnosis of hereditary haemhorragic telangiectasia (HHT, PMID: 24001356; Royal Melbourne Hospital). Multiple lines of computational evidence predict a deleterious effect for the missense substitution (6/6 algorithms). Other missense variants substituting the Asp330 residue have been reported in individuals with HHT, further demonstrating the importance of the amino acid in protein function (PMID: 12114496, 15517393, 17786384). Based on the classification scheme RMH Modified ACMG Guidelines v1.5.1, this variant is classified as LIKELY PATHOGENIC. Following criteria are met: PM1, PS4_Moderate, PM2_Supporting, PP3.

Literature cited by the submitters: PubMed 12114496; PubMed 15517393; PubMed 16051269; PubMed 17095602; PubMed 17786384; PubMed 24001356.